The following is an entry in ClinVar:

ClinVar aggregate classification (germline): Uncertain significance (1 of 4 stars; one submission).

Allele frequency attached by ClinVar (database versions not stated): gnomAD exomes below 0.00001.
gnomAD v4.1: 1 of 1,613,432 alleles (0.000062%); highest among the groups gnomAD compares: Non-Finnish European, 0.000085%; no homozygotes.

Submission:

Labcorp Genetics (formerly Invitae), Labcorp
Classification: Uncertain significance. Last evaluated: 2023-06-27. Review status: criteria provided, single submitter. Criteria: Invitae Variant Classification Sherloc (09022015). Collection method: clinical testing. Allele origin: germline.
Comment: This sequence change replaces arginine, which is basic and polar, with histidine, which is basic and polar, at codon 1916 of the ITPR1 protein (p.Arg1916His). This variant is not present in population databases (gnomAD no frequency). In summary, the available evidence is currently insufficient to determine the role of this variant in disease. Therefore, it has been classified as a Variant of Uncertain Significance. Advanced modeling of protein sequence and biophysical properties (such as structural, functional, and spatial information, amino acid conservation, physicochemical variation, residue mobility, and thermodynamic stability) performed at Invitae indicates that this missense variant is expected to disrupt ITPR1 protein function. This variant has not been reported in the literature in individuals affected with ITPR1-related conditions.

NM_001378452.1(ITPR1):c.5936G>A (p.Arg1979His)

Gene: ITPR1 (inositol 1,4,5-trisphosphate receptor type 1; plus strand). Cytogenetic location: 3p26.1.
Variant type: single nucleotide variant.
Coding change: c.5936G>A on transcript NM_001378452.1 (MANE Select); coding-DNA position 5936, G replaced by A.
Protein change: p.Arg1979His; replaces arginine 1979 with histidine.
Molecular consequence: missense variant.
Genome position (GRCh38, 1-based): chr3:4,768,721, G>A. VCF-style: chr3-4768721-G-A. GRCh37 (hg19) VCF-style: chr3-4810405-G-A.
Other names: c.5792G>A, p.Arg1931His (NM_001099952.4); c.5891G>A, p.Arg1964His (NM_001168272.2); c.5747G>A, p.Arg1916His (NM_002222.7); short protein forms R1931H, R1979H, R1916H, R1964H.
Identifiers: ClinVar variation 2978940 (VCV002978940.3), dbSNP rs2470045137, ClinGen allele CA351635502.